The following is an entry in ClinVar:

NM_000062.3(SERPING1):c.448T>C (p.Ser150Pro)

Gene: SERPING1 (serpin family G member 1; plus strand). Cytogenetic location: 11q12.1.
Variant type: single nucleotide variant.
Coding change: c.448T>C on transcript NM_000062.3 (MANE Select); coding-DNA position 448, T replaced by C.
Protein change: p.Ser150Pro; replaces serine 150 with proline.
Molecular consequence: missense variant.
Genome position (GRCh38, 1-based): chr11:57,600,275, T>C. VCF-style: chr11-57600275-T-C. GRCh37 (hg19) VCF-style: chr11-57367748-T-C.
Other names: c.448T>C, p.Ser150Pro (NM_001032295.2); short protein forms S150P.
Identifiers: ClinVar variation 1303128 (VCV001303128.2), dbSNP rs2135308725, ClinGen allele CA380695388.
Genomic context (GRCh38, chr11:57,600,275, plus strand): 5'-TGCTCTGACTTGGAGAGTCATTCAACAGAGGCCGTGTTGGGGGATGCTTTGGTAGATTTC[T>C]CCCTGAAGCTCTACCACGCCTTCTCAGCAATGAAGAAGGTGGAGACCAACATGGCCTTTT-3'
Protein context (NP_000053.2, residues 140-160): AVLGDALVDF[Ser150Pro]LKLYHAFSAM

ClinVar aggregate classification (germline): Uncertain significance (1 of 4 stars; one submission).

Submission:

GeneDx
Classification: Uncertain significance. Last evaluated: 2021-03-22. Review status: criteria provided, single submitter. Criteria: GeneDx Variant Classification Process June 2021. Collection method: clinical testing. Allele origin: germline. Affected: yes.
Comment: Not observed in large population cohorts (Lek et al., 2016); In silico analysis supports that this missense variant has a deleterious effect on protein structure/function; This variant is associated with the following publications: (PMID: 29753808, 25258140)